The following is an entry in ClinVar:

ClinVar aggregate classification (germline): Uncertain significance (1 of 4 stars; one submission).

gnomAD v4.1: 4 of 1,614,082 alleles (0.00025%); highest among the groups gnomAD compares: Non-Finnish European, 0.00034%; no homozygotes.

Submission:

GeneDx
Classification: Uncertain significance. Last evaluated: 2025-09-05. Review status: criteria provided, single submitter. Criteria: GeneDx Variant Classification Process June 2021. Collection method: clinical testing. Allele origin: germline. Affected: yes.
Comment: Not observed in large population cohorts (gnomAD); In silico analysis, which includes protein predictors and evolutionary conservation, supports a deleterious effect; Has not been previously published as pathogenic or benign to our knowledge

NM_022893.4(BCL11A):c.570G>C (p.Gln190His)

Gene: BCL11A (BCL11 transcription factor A; minus strand). Cytogenetic location: 2p16.1.
Variant type: single nucleotide variant.
Coding change: c.570G>C on transcript NM_022893.4 (MANE Select); coding-DNA position 570, G replaced by C.
Protein change: p.Gln190His; replaces glutamine 190 with histidine.
Molecular consequence: missense variant.
Genome position (GRCh38, 1-based): chr2:60,462,342, C>G on the plus strand (G>C on the coding strand, the complement: BCL11A is on the minus strand). VCF-style: chr2-60462342-C-G. GRCh37 (hg19) VCF-style: chr2-60689477-C-G.
Other names: c.468G>C, p.Gln156His (NM_001363864.1, NM_001365609.1); c.570G>C, p.Gln190His (NM_018014.4, NM_138559.2); short protein forms Q156H, Q190H.
Identifiers: ClinVar variation 1202405 (VCV001202405.4), dbSNP rs1676366216, ClinGen allele CA347039903.
Genomic context (GRCh38, chr2:60,462,342, plus strand): 5'-CCGCGGGGTCAGGGGACTTCCGTGTTCGCTTTCTAAGTAGATTCTTAATCCATGAGTGTT[C>G]TGTGCGTGTTGCAAGAGAAACCATGCACTGGTGAATGGCTGTTTGCAAGTTGTACATGTG-3'
Protein context (NP_075044.2, residues 180-200): TSAWFLLQHA[Gln190His]NTHGLRIYLE